The following is an entry in ClinVar:

ClinVar aggregate classification (germline): Likely benign. Review status: criteria provided, multiple submitters, no conflicts (2 of 4 stars). 4 submissions from 4 submitters: Likely benign (3). 1 of the submissions does not count toward it. Last evaluated 2026-09-01.

Conditions:
KIF5A-related disorder. Also called: KIF5A-related condition; KIF5A-related disorders.
Spastic paraplegia. Identifiers: MedGen C0037772, HP:0001258.

Allele frequency attached by ClinVar (database versions not stated): ExAC 0.00002; gnomAD exomes 0.00003 and 0.00005; TOPMed 0.00004; gnomAD 0.00006.
gnomAD v4.1: 83 of 1,613,674 alleles (0.0051%); highest among the groups gnomAD compares: Non-Finnish European, 0.0058%; no homozygotes.

Submissions (4):

CeGaT Center for Human Genetics Tuebingen
Classification: Likely benign. Last evaluated: 2026-09-01. Review status: criteria provided, single submitter. Criteria: CeGaT Center For Human Genetics Tuebingen Variant Classification Criteria Version 2. Collection method: clinical testing. Allele origin: germline. Affected: yes. Observed: 2 variant alleles.
Comment: KIF5A: BP4, BP7

Labcorp Genetics (formerly Invitae), Labcorp
Classification: Likely benign for Spastic paraplegia. Last evaluated: 2025-10-26. Review status: criteria provided, single submitter. Criteria: Invitae Variant Classification Sherloc (09022015). Collection method: clinical testing. Allele origin: germline.

ARUP Laboratories, Molecular Genetics and Genomics, ARUP Laboratories
Classification: Likely benign. Last evaluated: 2025-07-09. Review status: criteria provided, single submitter. Criteria: ARUP Molecular Germline Variant Investigation Process 2024. Collection method: clinical testing. Allele origin: germline.

PreventionGenetics, part of Exact Sciences
Classification: Likely benign for KIF5A-related condition. Last evaluated: 2019-06-11. Review status: no assertion criteria provided. Collection method: clinical testing. Allele origin: germline. Not counted in ClinVar's aggregate classification.
Comment: This variant is classified as likely benign based on ACMG/AMP sequence variant interpretation guidelines (Richards et al. 2015 PMID: 25741868, with internal and published modifications).

NM_004984.4(KIF5A):c.894G>A (p.Thr298=)

Gene: KIF5A (kinesin family member 5A; plus strand). Cytogenetic location: 12q13.3.
Variant type: single nucleotide variant.
Coding change: c.894G>A on transcript NM_004984.4 (MANE Select); coding-DNA position 894, G replaced by A.
Protein change: p.Thr298=; no amino-acid change (threonine 298 retained).
Molecular consequence: synonymous variant.
Genome position (GRCh38, 1-based): chr12:57,569,330, G>A. VCF-style: chr12-57569330-G-A. GRCh37 (hg19) VCF-style: chr12-57963113-G-A.
Other names: c.627G>A, p.Thr209= (NM_001354705.2); c.894G>A (NM_004984.2).
Identifiers: ClinVar variation 1543275 (VCV001543275.12), dbSNP rs763135764, ClinGen allele CA6652705.
Genomic context (GRCh38, chr12:57,569,330, plus strand): 5'-ATATCGTGACAGCAAAATGACAAGGATTCTCCAGGACTCTCTCGGGGGAAACTGCCGGAC[G>A]ACTATGTTCATCTGTTGCTCACCATCCAGTTATAATGATGCAGAGACCAAGTCCACCCTG-3'
Protein context (NP_004975.2, residues 288-308): LQDSLGGNCR[Thr298=]TMFICCSPSS